The following is an entry in ClinVar:

ClinVar aggregate classification (germline): Pathogenic. Review status: criteria provided, multiple submitters, no conflicts (2 of 4 stars). 4 submissions from 4 submitters: Pathogenic (4). Last evaluated 2025-03-13.

Conditions:
Arrhythmogenic right ventricular dysplasia 8 (ARVD8). Also called: ARRHYTHMOGENIC RIGHT VENTRICULAR DYSPLASIA, FAMILIAL, 8; ARRHYTHMOGENIC RIGHT VENTRICULAR CARDIOMYOPATHY 8; Arrhythmogenic Right Ventricular Dysplasia/Cardiomyopathy 8. Identifiers: MedGen C1843896, MONDO:0011831, OMIM 607450.
Arrhythmogenic cardiomyopathy with wooly hair and keratoderma. Also called: Dilated cardiomyopathy with woolly hair and keratoderma; PALMOPLANTAR KERATODERMA WITH LEFT VENTRICULAR CARDIOMYOPATHY AND WOOLLY HAIR; Carvajal syndrome; Arrhythmogenic cardiomyopathy with woolly hair and keratoderma. Identifiers: Orphanet 65282, MedGen C1854063, MONDO:0011581, OMIM 605676.
Cardiovascular phenotype. Identifiers: MedGen CN230736.

Allele frequency attached by ClinVar (database versions not stated): gnomAD exomes below 0.00001.
gnomAD v4.1: 3 of 1,614,140 alleles (0.00019%); highest among the groups gnomAD compares: Non-Finnish European, 0.00017%; no homozygotes.

Submissions (4):

GeneDx
Classification: Pathogenic. Last evaluated: 2025-03-13. Review status: criteria provided, single submitter. Criteria: GeneDx Variant Classification Process June 2021. Collection method: clinical testing. Allele origin: germline. Affected: yes.
Comment: Nonsense variant predicted to result in protein truncation or nonsense mediated decay in a gene for which loss of function is a known mechanism of disease; Not observed at significant frequency in large population cohorts (gnomAD); This variant is associated with the following publications: (PMID: 36264615, 35083019)

Labcorp Genetics (formerly Invitae), Labcorp
Classification: Pathogenic for Arrhythmogenic cardiomyopathy with wooly hair and keratoderma; Arrhythmogenic right ventricular dysplasia 8. Last evaluated: 2025-02-23. Review status: criteria provided, single submitter. Criteria: Invitae Variant Classification Sherloc (09022015). Collection method: clinical testing. Allele origin: germline.
Comment: This sequence change creates a premature translational stop signal (p.Arg105*) in the DSP gene. It is expected to result in an absent or disrupted protein product. Loss-of-function variants in DSP are known to be pathogenic (PMID: 20716751, 24503780, 25227139). This variant is present in population databases (no rsID available, gnomAD 0.004%). This variant has not been reported in the literature in individuals affected with DSP-related conditions. ClinVar contains an entry for this variant (Variation ID: 853704). For these reasons, this variant has been classified as Pathogenic.

Ambry Genetics
Classification: Pathogenic for Cardiovascular phenotype. Last evaluated: 2023-02-22. Review status: criteria provided, single submitter. Criteria: Ambry Variant Classification Scheme 2023. Collection method: clinical testing. Allele origin: germline.
Comment: The p.R105* pathogenic mutation (also known as c.313C>T), located in coding exon 3 of the DSP gene, results from a C to T substitution at nucleotide position 313. This changes the amino acid from an arginine to a stop codon within coding exon 3. This alteration has been reported in a cohort of subjects with suspected hereditary cardiomyopathy (Reza N et al. Cardiogenetics, 2022 Mar;12:24-36). This variant is also considered to be rare based on population cohorts in the Genome Aggregation Database (gnomAD). Alterations in DSP that result in haploinsufficiency or protein truncation have been reported in patients with arrhythmogenic right ventricular cardiomyopathy (ARVC) and dilated cardiomyopathy (DCM) (Fressart V et al. Europace. 2010;12(6):861-8; Elliott P et al. Circ Cardiovasc Genet. 2010;3(4):314-22; Quarta G et al. Circulation. 2011;123(23):2701-9; Garcia-Pavia P et al. Heart. 2011;97(21):1744-52; Rasmussen TB et al. Clin Genet. 2013;84(1):20-30; Pugh TJ et al. Genet Med. 2014;16(8):601-8). This alteration is expected to result in loss of function by premature protein truncation or nonsense-mediated mRNA decay. As such, this alteration is interpreted as a disease-causing mutation.

Institute of Human Genetics, University of Leipzig Medical Center
Classification: Pathogenic for Arrhythmogenic right ventricular dysplasia 8. Last evaluated: 2019-01-01. Review status: criteria provided, single submitter. Criteria: ACMG Guidelines, 2015. Collection method: clinical testing. Allele origin: unknown. Affected: yes.

Literature cited by the submitters: PubMed 20716751 (cited by Labcorp Genetics (formerly Invitae), Labcorp); PubMed 24503780 (cited by Labcorp Genetics (formerly Invitae), Labcorp); PubMed 25227139 (cited by Labcorp Genetics (formerly Invitae), Labcorp); PubMed 35083019 (cited by Ambry Genetics).

NM_004415.4(DSP):c.313C>T (p.Arg105Ter)

Gene: DSP (desmoplakin; plus strand). Cytogenetic location: 6p24.3.
Variant type: single nucleotide variant.
Coding change: c.313C>T on transcript NM_004415.4 (MANE Select); coding-DNA position 313, C replaced by T.
Protein change: p.Arg105Ter; replaces arginine 105 with a stop codon.
Molecular consequence: nonsense.
Genome position (GRCh38, 1-based): chr6:7,558,155, C>T. VCF-style: chr6-7558155-C-T. GRCh37 (hg19) VCF-style: chr6-7558388-C-T.
Other names: c.313C>T, p.Arg105Ter (NM_001008844.3, NM_001319034.2); short protein forms R105*.
Identifiers: ClinVar variation 853704 (VCV000853704.12), dbSNP rs1435125402, ClinGen allele CA362671176.
Genomic context (GRCh38, chr6:7,558,155, plus strand): 5'-CATGTGAGTGTTTTCTTTCAGGAATTGAAGTATGGAGATGGAATACAACTGACTCGGAGT[C>T]GAGAATTGGATGAGTGTTTTGCCCAGGCCAATGACCAAATGGAAATCCTCGACAGCTTGA-3'